The following is an entry in ClinVar:

NM_000238.4(KCNH2):c.3263C>T (p.Pro1088Leu)

Gene: KCNH2 (potassium voltage-gated channel subfamily H member 2; minus strand). Cytogenetic location: 7q36.1.
Variant type: single nucleotide variant.
Coding change: c.3263C>T on transcript NM_000238.4 (MANE Select); coding-DNA position 3263, C replaced by T.
Protein change: p.Pro1088Leu; replaces proline 1088 with leucine.
Molecular consequence: missense variant. On other transcripts: non-coding transcript variant (2).
Genome position (GRCh38, 1-based): chr7:150,946,944, G>A on the plus strand (C>T on the coding strand, the complement: KCNH2 is on the minus strand). VCF-style: chr7-150946944-G-A. GRCh37 (hg19) VCF-style: chr7-150644032-G-A.
Other names: c.2975C>T, p.Pro992Leu (NM_001406753.1); c.2243C>T, p.Pro748Leu (NM_172057.3); short protein forms P1088L, P748L, P992L.
Identifiers: ClinVar variation 2826573 (VCV002826573.3), dbSNP rs1800912992, ClinGen allele CA369852082.

ClinVar aggregate classification (germline): Uncertain significance (1 of 4 stars; one submission).

Conditions:
Long QT syndrome (LQTS). Identifiers: MedGen C0023976, MeSH D008133, MONDO:0002442. Disease mechanism: loss of function. Inheritance: Various modes of inheritance.

Submission:

Labcorp Genetics (formerly Invitae), Labcorp
Classification: Uncertain significance for Long QT syndrome. Last evaluated: 2023-01-06. Review status: criteria provided, single submitter. Criteria: Invitae Variant Classification Sherloc (09022015). Collection method: clinical testing. Allele origin: germline.
Comment: In summary, the available evidence is currently insufficient to determine the role of this variant in disease. Therefore, it has been classified as a Variant of Uncertain Significance. Algorithms developed to predict the effect of missense changes on protein structure and function output the following: SIFT: "Tolerated"; PolyPhen-2: "Benign"; Align-GVGD: "Class C0". The leucine amino acid residue is found in multiple mammalian species, which suggests that this missense change does not adversely affect protein function. This variant has not been reported in the literature in individuals affected with KCNH2-related conditions. This variant is not present in population databases (gnomAD no frequency). This sequence change replaces proline, which is neutral and non-polar, with leucine, which is neutral and non-polar, at codon 1088 of the KCNH2 protein (p.Pro1088Leu).